The following is an entry in ClinVar:

NM_002470.4(MYH3):c.5068C>T (p.Arg1690Trp)

Gene: MYH3 (myosin heavy chain 3; minus strand). Cytogenetic location: 17p13.1.
Variant type: single nucleotide variant.
Coding change: c.5068C>T on transcript NM_002470.4 (MANE Select); coding-DNA position 5068, C replaced by T.
Protein change: p.Arg1690Trp; replaces arginine 1690 with tryptophan.
Molecular consequence: missense variant.
Genome position (GRCh38, 1-based): chr17:10,631,905, G>A on the plus strand (C>T on the coding strand, the complement: MYH3 is on the minus strand). VCF-style: chr17-10631905-G-A. GRCh37 (hg19) VCF-style: chr17-10535222-G-A.
Other names: short protein forms R1690W.
Identifiers: ClinVar variation 1913888 (VCV001913888.5), dbSNP rs758929619, ClinGen allele CA8392055.
Genomic context (GRCh38, chr17:10,631,905, plus strand): 5'-AGTCCAGGAGCTCCTGTTCCGCCAGTTTCCGGGCCCTCTCCGTCTGCTCCAGAGTAGCCC[G>A]CAGCTCCTCCACCTCGGCCTGCAGCAGGTTGGCTCTGCGCTCCACAATCGCCAGCTGCTC-3'
Protein context (NP_002461.2, residues 1680-1700): NLLQAEVEEL[Arg1690Trp]ATLEQTERAR

ClinVar aggregate classification (germline): Uncertain significance (1 of 4 stars; one submission).

Allele frequency attached by ClinVar (database versions not stated): ExAC 0.00001.
gnomAD v4.1: 6 of 1,613,996 alleles (0.00037%); highest among the groups gnomAD compares: African/African-American, 0.0027%; no homozygotes.

Submission:

Labcorp Genetics (formerly Invitae), Labcorp
Classification: Uncertain significance. Last evaluated: 2024-04-07. Review status: criteria provided, single submitter. Criteria: Invitae Variant Classification Sherloc (09022015). Collection method: clinical testing. Allele origin: germline.
Comment: This sequence change replaces arginine, which is basic and polar, with tryptophan, which is neutral and slightly polar, at codon 1690 of the MYH3 protein (p.Arg1690Trp). This variant is present in population databases (rs758929619, gnomAD 0.0009%). This variant has not been reported in the literature in individuals affected with MYH3-related conditions. ClinVar contains an entry for this variant (Variation ID: 1913888). Advanced modeling of protein sequence and biophysical properties (such as structural, functional, and spatial information, amino acid conservation, physicochemical variation, residue mobility, and thermodynamic stability) performed at Invitae indicates that this missense variant is not expected to disrupt MYH3 protein function with a negative predictive value of 95%. In summary, the available evidence is currently insufficient to determine the role of this variant in disease. Therefore, it has been classified as a Variant of Uncertain Significance.